The following is an entry in ClinVar:

ClinVar aggregate classification (germline): Benign (1 of 4 stars; one submission).

Conditions:
Pheochromocytoma/paraganglioma syndrome 5. Also called: Paragangliomas 5; SDHA-Related Hereditary Paraganglioma-Pheochromocytoma Syndrome. Identifiers: Orphanet 29072, MedGen C3279992, MONDO:0013602, OMIM 614165.

Submission:

Myriad Genetics, Inc.
Classification: Benign for Pheochromocytoma/paraganglioma syndrome 5. Last evaluated: 2025-03-11. Review status: criteria provided, single submitter. Criteria: Myriad Autosomal Dominant, Autosomal Recessive and X-Linked Classification Criteria (2023). Collection method: clinical testing. Allele origin: unknown.
Comment: This variant is considered benign. This variant is a silent/synonymous amino acid change and it is not expected to impact splicing.

NM_004168.4(SDHA):c.1867A>C (p.Arg623=)

Gene: SDHA (succinate dehydrogenase complex flavoprotein subunit A; plus strand). Cytogenetic location: 5p15.33.
Variant type: single nucleotide variant.
Coding change: c.1867A>C on transcript NM_004168.4 (MANE Select); coding-DNA position 1867, A replaced by C.
Protein change: p.Arg623=; no amino-acid change (arginine 623 retained).
Molecular consequence: synonymous variant.
Genome position (GRCh38, 1-based): chr5:254,465, A>C. VCF-style: chr5-254465-A-C. GRCh37 (hg19) VCF-style: chr5-254580-A-C.
Other names: c.1723A>C, p.Arg575= (NM_001294332.2); c.1624A>C, p.Arg542= (NM_001330758.2).
Identifiers: ClinVar variation 3904579 (VCV003904579.1).